The following is an entry in ClinVar:

NM_012431.3(SEMA3E):c.774T>C (p.Asn258=)

Gene: SEMA3E (semaphorin 3E; minus strand). Cytogenetic location: 7q21.11.
Variant type: single nucleotide variant.
Coding change: c.774T>C on transcript NM_012431.3 (MANE Select); coding-DNA position 774, T replaced by C.
Protein change: p.Asn258=; no amino-acid change (asparagine 258 retained).
Molecular consequence: synonymous variant.
Genome position (GRCh38, 1-based): chr7:83,407,136, A>G on the plus strand (T>C on the coding strand, the complement: SEMA3E is on the minus strand). VCF-style: chr7-83407136-A-G. GRCh37 (hg19) VCF-style: chr7-83036452-A-G.
Other names: c.594T>C, p.Asn198= (NM_001178129.2).
Identifiers: ClinVar variation 3353867 (VCV003353867.1).

ClinVar aggregate classification (germline): Likely benign (0 of 4 stars; one submission).

Conditions:
SEMA3E-related disorder. Also called: SEMA3E-related condition.

gnomAD v4.1: 2 of 1,613,660 alleles (0.00012%); highest among the groups gnomAD compares: Admixed American, 0.0017%; no homozygotes.

Submission:

PreventionGenetics, part of Exact Sciences
Classification: Likely benign for SEMA3E-related condition. Last evaluated: 2022-08-17. Review status: no assertion criteria provided. Collection method: clinical testing. Allele origin: germline.
Comment: This variant is classified as likely benign based on ACMG/AMP sequence variant interpretation guidelines (Richards et al. 2015 PMID: 25741868, with internal and published modifications).